The following is an entry in ClinVar:

NM_005912.3(MC4R):c.973C>A (p.Leu325Ile)

Gene: MC4R (melanocortin 4 receptor; minus strand). Cytogenetic location: 18q21.32.
Variant type: single nucleotide variant.
Coding change: c.973C>A on transcript NM_005912.3 (MANE Select); coding-DNA position 973, C replaced by A.
Protein change: p.Leu325Ile; replaces leucine 325 with isoleucine.
Molecular consequence: missense variant.
Genome position (GRCh38, 1-based): chr18:60,371,377, G>T on the plus strand (C>A on the coding strand, the complement: MC4R is on the minus strand). VCF-style: chr18-60371377-G-T. GRCh37 (hg19) VCF-style: chr18-58038610-G-T.
Other names: c.973C>A (NM_005912.2); short protein forms L325I.
Identifiers: ClinVar variation 2502271 (VCV002502271.3), dbSNP rs1413495797, ClinGen allele CA402718688.

ClinVar aggregate classification (germline): Uncertain significance. Review status: criteria provided, multiple submitters, no conflicts (2 of 4 stars). 2 submissions from 2 submitters: Uncertain significance (2). Last evaluated 2025-02-08.

Conditions:
MC4R-related disorder. Also called: MC4R-related condition.
BODY MASS INDEX QUANTITATIVE TRAIT LOCUS 20 (BMIQ20). Also called: MELANOCORTIN 4 RECEPTOR DEFICIENCY; MC4R DEFICIENCY. Identifiers: MedGen C4759928, OMIM 618406.

Allele frequency attached by ClinVar (database versions not stated): gnomAD 0.00002.

Submissions (2):

PreventionGenetics, part of Exact Sciences
Classification: Uncertain significance for MC4R-related condition. Last evaluated: 2025-02-08. Review status: criteria provided, single submitter. Criteria: ACMG Guidelines, 2015. Collection method: clinical testing. Allele origin: germline.
Comment: The MC4R c.973C>A variant is predicted to result in the amino acid substitution p.Leu325Ile. This variant has been reported in two unrelated individuals with obesity (Namjou et al. 2020. PubMed ID: 32952152). A different missense variant affecting the same amino acid (p.Leu325Phe) has been reported in at least one individual with obesity, and functional analysis suggested it could be deleterious (Larsen et al. 2005. PubMed ID: 15486053; Lotta et al. 2019. PubMed ID: 31002796). The c.973C>A (p.Leu325Ile) variant is reported in 0.0056% of alleles in individuals of Latino descent in gnomAD. At this time, the clinical significance of this variant is uncertain due to the absence of conclusive functional and genetic evidence.

New York Genome Center
Classification: Uncertain significance for BODY MASS INDEX QUANTITATIVE TRAIT LOCUS 20. Last evaluated: 2022-04-15. Review status: criteria provided, single submitter. Criteria: NYGC Assertion Criteria 2020. Collection method: clinical testing. Allele origin: germline. Observed: 1 heterozygote.
Comment: The c.973C>A, p.Leu325Ile missense variant in MC4R has been reported in individuals with obesity [PMID:32952152]. The variant has been observed in thirty-seven alleles with no homozygotes in the population databases (gnomAD v2.1.1 and v3.1.2, TOPMed Freeze 8). This substitution occurs at a position that is moderately conserved across species, and in silico analysis predicts this variant is probably benign to the protein structure/function. Based on the available evidence, the variant c.973C>A, p.Leu325Ile in the MC4R gene is classified as a variant of uncertain significance.